The following is an entry in ClinVar:

NM_007170.3(TESK2):c.1454G>A (p.Arg485His)

Gene: TESK2 (testis associated actin remodelling kinase 2; minus strand). Cytogenetic location: 1p34.1.
Variant type: single nucleotide variant.
Coding change: c.1454G>A on transcript NM_007170.3 (MANE Select); coding-DNA position 1454, G replaced by A.
Protein change: p.Arg485His; replaces arginine 485 with histidine.
Molecular consequence: missense variant.
Genome position (GRCh38, 1-based): chr1:45,345,102, C>T on the plus strand (G>A on the coding strand, the complement: TESK2 is on the minus strand). VCF-style: chr1-45345102-C-T. GRCh37 (hg19) VCF-style: chr1-45810774-C-T.
Other names: c.1205G>A, p.Arg402His (NM_001320800.2); short protein forms R402H, R485H.
Identifiers: ClinVar variation 2638791 (VCV002638791.24), dbSNP rs186592461, ClinGen allele CA826911.

ClinVar aggregate classification (germline): Likely benign (1 of 4 stars; one submission).

Allele frequency attached by ClinVar (database versions not stated): gnomAD exomes 0.00021; ExAC 0.00079; gnomAD 0.00220; 1000 Genomes Project 0.00240; 1000 Genomes Project 30x 0.00250; TOPMed 0.00272; ESP Exome Variant Server 0.00290.
gnomAD v4.1: 644 of 1,614,124 alleles (0.04%); highest among the groups gnomAD compares: African/African-American, 0.77%; 5 homozygotes.

Submission:

CeGaT Center for Human Genetics Tuebingen
Classification: Likely benign. Last evaluated: 2022-05-01. Review status: criteria provided, single submitter. Criteria: CeGaT Center For Human Genetics Tuebingen Variant Classification Criteria Version 2. Collection method: clinical testing. Allele origin: germline. Affected: yes. Observed: 1 variant allele.
Comment: TESK2: BP4